The following is an entry in ClinVar:

ClinVar aggregate classification (germline): Uncertain significance (1 of 4 stars; one submission).

Conditions:
Noonan syndrome 9 (NS9). Identifiers: Orphanet 648, MedGen C4225282, MONDO:0014691, OMIM 616559.

Submission:

Labcorp Genetics (formerly Invitae), Labcorp
Classification: Uncertain significance for Noonan syndrome 9. Last evaluated: 2024-05-28. Review status: criteria provided, single submitter. Criteria: Invitae Variant Classification Sherloc (09022015). Collection method: clinical testing. Allele origin: germline.
Comment: This sequence change replaces lysine, which is basic and polar, with glutamic acid, which is acidic and polar, at codon 242 of the SOS2 protein (p.Lys242Glu). This variant is not present in population databases (gnomAD no frequency). This variant has not been reported in the literature in individuals affected with SOS2-related conditions. Advanced modeling of protein sequence and biophysical properties (such as structural, functional, and spatial information, amino acid conservation, physicochemical variation, residue mobility, and thermodynamic stability) performed at Invitae indicates that this missense variant is not expected to disrupt SOS2 protein function with a negative predictive value of 95%. In summary, the available evidence is currently insufficient to determine the role of this variant in disease. Therefore, it has been classified as a Variant of Uncertain Significance.

NM_006939.4(SOS2):c.724A>G (p.Lys242Glu)

Gene: SOS2 (SOS Ras/Rho guanine nucleotide exchange factor 2; minus strand). Cytogenetic location: 14q21.3.
Variant type: single nucleotide variant.
Coding change: c.724A>G on transcript NM_006939.4 (MANE Select); coding-DNA position 724, A replaced by G.
Protein change: p.Lys242Glu; replaces lysine 242 with glutamic acid.
Molecular consequence: missense variant.
Genome position (GRCh38, 1-based): chr14:50,182,597, T>C on the plus strand (A>G on the coding strand, the complement: SOS2 is on the minus strand). VCF-style: chr14-50182597-T-C. GRCh37 (hg19) VCF-style: chr14-50649315-T-C.
Other names: c.724A>G, p.Lys242Glu (NM_001411020.1); short protein forms K242E.
Identifiers: ClinVar variation 3619360 (VCV003619360.2).